The following is an entry in ClinVar:

ClinVar aggregate classification (germline): Uncertain significance (1 of 4 stars; one submission).

Submission:

Labcorp Genetics (formerly Invitae), Labcorp
Classification: Uncertain significance. Last evaluated: 2025-04-20. Review status: criteria provided, single submitter. Criteria: Invitae Variant Classification Sherloc (09022015). Collection method: clinical testing. Allele origin: germline.
Comment: This sequence change falls in intron 19 of the CLCN7 gene. It does not directly change the encoded amino acid sequence of the CLCN7 protein. Information on the frequency of this variant in the gnomAD database is not available, as this variant may be reported differently in the database. This variant has not been reported in the literature in individuals affected with CLCN7-related conditions. In summary, the available evidence is currently insufficient to determine the role of this variant in disease. Therefore, it has been classified as a Variant of Uncertain Significance.

NM_001287.6(CLCN7):c.1798-10_1798-8delinsTTA

Gene: CLCN7 (Cl-/H+ antiporter 7; minus strand). Cytogenetic location: 16p13.3.
Variant type: Indel.
Coding change: c.1798-10_1798-8delinsTTA on transcript NM_001287.6 (MANE Select); 10 bases into the intron before coding-DNA position 1798 through 8 bases into the intron before coding-DNA position 1798, CCG replaced by TTA.
Molecular consequence: intron variant.
Genome position (GRCh38, 1-based): chr16:1,448,774-1,448,776, CGG replaced by TAA on the plus strand (CCG replaced by TTA on the coding strand, the reverse complement: CLCN7 is on the minus strand). VCF-style: chr16-1448774-CGG-TAA. GRCh37 (hg19) VCF-style: chr16-1498775-CGG-TAA.
Other names: c.1726-10_1726-8delinsTTA (NM_001114331.3).
Identifiers: ClinVar variation 4774830 (VCV004774830.1).
Genomic context (GRCh38, chr16:1,448,774, plus strand): 5'-TCCCAGTGCAGGAAGGGCACACTCTGCAGCTGAATGTGCATGTCGTACAGGCCCTGCGGG[CGG>TAA]GGCGGGAACACAGGGCTTGAGGAGTCCACACCCACCCCTGGAGCCCCGAGCCTACCCCTG-3'